The following is an entry in ClinVar:

ClinVar aggregate classification (germline): Benign (1 of 4 stars; one submission).

Conditions:
Neurofibromatosis, type 1 (NF1). Also called: VON RECKLINGHAUSEN DISEASE; NEUROFIBROMATOSIS, TYPE I, SOMATIC; Peripheral type neurofibromatosis; Neurofibromatosis, type I. Identifiers: Orphanet 636, MedGen C0027831, MONDO:0018975, OMIM 162200. Disease mechanism: loss of function.

Submission:

Myriad Genetics, Inc.
Classification: Benign for Neurofibromatosis, type 1. Last evaluated: 2026-09-29. Review status: criteria provided, single submitter. Criteria: Myriad Autosomal Dominant, Autosomal Recessive and X-Linked Classification Criteria (2023). Collection method: clinical testing. Allele origin: unknown.
Comment: This variant is considered benign. This variant is a silent/synonymous amino acid change and it is not expected to impact splicing.

NM_001042492.3(NF1):c.8124T>C (p.Phe2708=)

Gene: NF1 (neurofibromin 1; plus strand). Cytogenetic location: 17q11.2.
Variant type: single nucleotide variant.
Coding change: c.8124T>C on transcript NM_001042492.3 (MANE Select); coding-DNA position 8124, T replaced by C.
Protein change: p.Phe2708=; no amino-acid change (phenylalanine 2708 retained).
Molecular consequence: synonymous variant.
Genome position (GRCh38, 1-based): chr17:31,358,979, T>C. VCF-style: chr17-31358979-T-C. GRCh37 (hg19) VCF-style: chr17-29685997-T-C.
Other names: c.8061T>C, p.Phe2687= (NM_000267.4).
Identifiers: ClinVar variation 5042246 (VCV005042246.1).
Genomic context (GRCh38, chr17:31,358,979, plus strand): 5'-AATTAAAAGATACCTTGCTTGTTATAAGAGTAAAATTTGATTTGTTGCAGGTTTTGGTTT[T>C]AATGGCTTGTGGCGGTTTGCAGGACCGTTTTCAAAGGTAAGAAAATATATTTTTCTCTAA-3'
Protein context (NP_001035957.1, residues 2698-2718): YQTSYLQSFG[Phe2708=]NGLWRFAGPF